The following is an entry in ClinVar:

NM_004329.3(BMPR1A):c.708G>C (p.Met236Ile)

Gene: BMPR1A (bone morphogenetic protein receptor type 1A; plus strand). Cytogenetic location: 10q23.2.
Variant type: single nucleotide variant.
Coding change: c.708G>C on transcript NM_004329.3 (MANE Select); coding-DNA position 708, G replaced by C.
Protein change: p.Met236Ile; replaces methionine 236 with isoleucine.
Molecular consequence: missense variant.
Genome position (GRCh38, 1-based): chr10:86,917,166, G>C. VCF-style: chr10-86917166-G-C. GRCh37 (hg19) VCF-style: chr10-88676923-G-C.
Other names: c.783G>C, p.Met261Ile (NM_001406559.1); c.756G>C, p.Met252Ile (NM_001406560.1); c.708G>C, p.Met236Ile (NM_001406561.1, NM_001406562.1, NM_001406563.1 and 19 more transcripts); c.702G>C, p.Met234Ile (NM_001406583.1); c.624G>C, p.Met208Ile (NM_001406584.1, NM_001406585.1, NM_001406586.1 and 2 more transcripts); c.366G>C, p.Met122Ile (NM_001406589.1); short protein forms M122I, M208I, M234I, M236I, M252I, M261I.
Identifiers: ClinVar variation 1720354 (VCV001720354.7), dbSNP rs1564723344, ClinGen allele CA377457153.

ClinVar aggregate classification (germline): Uncertain significance. Review status: criteria provided, multiple submitters, no conflicts (2 of 4 stars). 2 submissions from 2 submitters: Uncertain significance (2). Last evaluated 2026-08-04.

Conditions:
Hereditary cancer-predisposing syndrome. Also called: Tumor predisposition; Hereditary neoplastic syndrome; Neoplastic Syndromes, Hereditary; Hereditary Cancer Syndrome. Identifiers: Orphanet 140162, MedGen C0027672, MeSH D009386, MONDO:0015356.
Juvenile polyposis syndrome (JPS). Identifiers: Orphanet 2929, MedGen C0345893, MONDO:0017380, OMIM 174900.

Submissions (2):

Ambry Genetics
Classification: Uncertain significance for Hereditary cancer-predisposing syndrome. Last evaluated: 2026-08-04. Review status: criteria provided, single submitter. Criteria: Ambry Variant Classification Scheme 2023. Collection method: clinical testing. Allele origin: germline.
Comment: The p.M236I variant (also known as c.708G>C), located in coding exon 7 of the BMPR1A gene, results from a G to C substitution at nucleotide position 708. The methionine at codon 236 is replaced by isoleucine, an amino acid with highly similar properties. This amino acid position is conserved. In addition, the in silico prediction for this alteration is inconclusive. Based on the available evidence, the clinical significance of this variant remains unclear.

Labcorp Genetics (formerly Invitae), Labcorp
Classification: Uncertain significance for Juvenile polyposis syndrome. Last evaluated: 2022-07-14. Review status: criteria provided, single submitter. Criteria: Invitae Variant Classification Sherloc (09022015). Collection method: clinical testing. Allele origin: germline.
Comment: In summary, the available evidence is currently insufficient to determine the role of this variant in disease. Therefore, it has been classified as a Variant of Uncertain Significance. Advanced modeling of protein sequence and biophysical properties (such as structural, functional, and spatial information, amino acid conservation, physicochemical variation, residue mobility, and thermodynamic stability) performed at Invitae indicates that this missense variant is not expected to disrupt BMPR1A protein function. This sequence change replaces methionine, which is neutral and non-polar, with isoleucine, which is neutral and non-polar, at codon 236 of the BMPR1A protein (p.Met236Ile). This variant is not present in population databases (gnomAD no frequency). This variant has not been reported in the literature in individuals affected with BMPR1A-related conditions.